The following is an entry in ClinVar:

ClinVar aggregate classification (germline): Conflicting classifications of pathogenicity. Review status: criteria provided, conflicting classifications (1 of 4 stars). 2 submissions from 2 submitters: Uncertain significance (1); Likely benign (1). Last evaluated 2025-06-04.

Conditions:
Charcot-Marie-Tooth disease type 2B (CMT2B). Also called: Charcot-Marie-Tooth Neuropathy Type 2B; CHARCOT-MARIE-TOOTH DISEASE, AXONAL, TYPE 2B; CHARCOT-MARIE-TOOTH DISEASE, AUTOSOMAL DOMINANT, TYPE 2B; HEREDITARY MOTOR AND SENSORY NEUROPATHY IIB. Identifiers: Orphanet 99936, MedGen C1833219, MONDO:0010949, OMIM 600882.
Inborn genetic diseases. Identifiers: MedGen C0950123, MeSH D030342.

Allele frequency attached by ClinVar (database versions not stated): gnomAD 0.00001; TOPMed 0.00003; ExAC 0.00002.
gnomAD v4.1: 7 of 1,614,078 alleles (0.00043%); highest among the groups gnomAD compares: Admixed American, 0.012%; no homozygotes.

Submissions (2):

Labcorp Genetics (formerly Invitae), Labcorp
Classification: Uncertain significance for Charcot-Marie-Tooth disease type 2B. Last evaluated: 2025-06-04. Review status: criteria provided, single submitter. Criteria: Invitae Variant Classification Sherloc (09022015). Collection method: clinical testing. Allele origin: germline.
Comment: This sequence change replaces alanine, which is neutral and non-polar, with threonine, which is neutral and polar, at codon 198 of the RAB7A protein (p.Ala198Thr). This variant is present in population databases (rs748832566, gnomAD 0.02%). This variant has not been reported in the literature in individuals affected with RAB7A-related conditions. ClinVar contains an entry for this variant (Variation ID: 2389107). An algorithm developed to predict the effect of missense changes on protein structure and function outputs the following: PolyPhen-2: "Benign". The threonine amino acid residue is found in multiple mammalian species, which suggests that this missense change does not adversely affect protein function. In summary, the available evidence is currently insufficient to determine the role of this variant in disease. Therefore, it has been classified as a Variant of Uncertain Significance.

Ambry Genetics
Classification: Likely benign for Inborn genetic diseases. Last evaluated: 2021-10-20. Review status: criteria provided, single submitter. Criteria: Ambry Variant Classification Scheme 2023. Collection method: clinical testing. Allele origin: germline.

NM_004637.6(RAB7A):c.592G>A (p.Ala198Thr)

Genes: RAB7A (RAB7A, member RAS oncogene family; plus strand), LOC112872299 (Sharpr-MPRA regulatory region 6458; plus strand). Cytogenetic location: 3q21.3.
Variant type: single nucleotide variant.
Coding change: c.592G>A on transcript NM_004637.6 (MANE Select); coding-DNA position 592, G replaced by A.
Protein change: p.Ala198Thr; replaces alanine 198 with threonine.
Molecular consequence: missense variant.
Genome position (GRCh38, 1-based): chr3:128,813,390, G>A. VCF-style: chr3-128813390-G-A. GRCh37 (hg19) VCF-style: chr3-128532233-G-A.
Other names: short protein forms A198T.
Identifiers: ClinVar variation 2389107 (VCV002389107.5), dbSNP rs748832566, ClinGen allele CA2600889.